The following is an entry in ClinVar:

NM_001303256.3(MORC2):c.672G>T (p.Gln224His)

Gene: MORC2 (MORC family CW-type zinc finger 2; minus strand). Cytogenetic location: 22q12.2.
Variant type: single nucleotide variant.
Coding change: c.672G>T on transcript NM_001303256.3 (MANE Select); coding-DNA position 672, G replaced by T.
Protein change: p.Gln224His; replaces glutamine 224 with histidine.
Molecular consequence: missense variant.
Genome position (GRCh38, 1-based): chr22:30,941,917, C>A on the plus strand (G>T on the coding strand, the complement: MORC2 is on the minus strand). VCF-style: chr22-30941917-C-A. GRCh37 (hg19) VCF-style: chr22-31337904-C-A.
Other names: c.672G>T, p.Gln224His (NM_001303257.2); c.486G>T, p.Gln162His (NM_014941.3); short protein forms Q224H, Q162H.
Identifiers: ClinVar variation 575191 (VCV000575191.8), dbSNP rs893153652, ClinGen allele CA411242743.

ClinVar aggregate classification (germline): Uncertain significance. Review status: criteria provided, multiple submitters, no conflicts (2 of 4 stars). 2 submissions from 2 submitters: Uncertain significance (2). Last evaluated 2026-06-24.

Conditions:
Charcot-Marie-Tooth disease axonal type 2Z. Also called: CHARCOT-MARIE-TOOTH DISEASE, AXONAL, AUTOSOMAL DOMINANT, TYPE 2Z; CHARCOT-MARIE-TOOTH NEUROPATHY, TYPE 2Z. Identifiers: Orphanet 466768, MedGen C5569025, MONDO:0014736, OMIM 616688.

Submissions (2):

Women's Health and Genetics/Laboratory Corporation of America, LabCorp
Classification: Uncertain significance. Last evaluated: 2026-06-24. Review status: criteria provided, single submitter. Criteria: LabCorp Variant Classification Summary - May 2015. Collection method: clinical testing. Allele origin: germline.
Comment: Variant summary: MORC2 c.672G>T (p.Gln224His) results in a non-conservative amino acid change in the encoded protein sequence. Algorithms developed to predict the effect of missense changes on protein structure and function are either unavailable or do not agree on the potential impact of this missense change. The variant was absent in 251402 control chromosomes. The available data on variant occurrences in the general population are insufficient to allow any conclusion about variant significance. To our knowledge, no occurrence of c.672G>T in individuals affected with MORC2-related conditions and no experimental evidence demonstrating its impact on protein function have been reported. ClinVar contains an entry for this variant (Variation ID: 575191). Based on the evidence outlined above, the variant was classified as uncertain significance.

Labcorp Genetics (formerly Invitae), Labcorp
Classification: Uncertain significance for Charcot-Marie-Tooth disease axonal type 2Z. Last evaluated: 2018-04-08. Review status: criteria provided, single submitter. Criteria: Invitae Variant Classification Sherloc (09022015). Collection method: clinical testing. Allele origin: germline.
Comment: This variant is not present in population databases (ExAC no frequency). This variant has not been reported in the literature in individuals with MORC2-related disease. Algorithms developed to predict the effect of missense changes on protein structure and function do not agree on the potential impact of this missense change (SIFT: "Tolerated"; PolyPhen-2: "Possibly Damaging"; Align-GVGD: "Class C0"). In summary, the available evidence is currently insufficient to determine the role of this variant in disease. Therefore, it has been classified as a Variant of Uncertain Significance. This sequence change replaces glutamine with histidine at codon 162 of the MORC2 protein (p.Gln162His). The glutamine residue is weakly conserved and there is a small physicochemical difference between glutamine and histidine.